The following is an entry in ClinVar:

NM_001009996.3(DALRD3):c.-5T>C

Gene: DALRD3 (DALR anticodon binding domain containing 3; minus strand). Cytogenetic location: 3p21.31.
Variant type: single nucleotide variant.
Coding change: c.-5T>C on transcript NM_001009996.3 (MANE Select); 5 bases upstream of the start codon, T replaced by C.
Molecular consequence: 5 prime UTR variant. On other transcripts: intron variant (1).
Genome position (GRCh38, 1-based): chr3:49,018,569, A>G on the plus strand (T>C on the coding strand, the complement: DALRD3 is on the minus strand). VCF-style: chr3-49018569-A-G. GRCh37 (hg19) VCF-style: chr3-49056002-A-G.
Other names: c.-5T>C (NM_001276405.2); c.-336-251T>C (NM_018114.6).
Identifiers: ClinVar variation 2629024 (VCV002629024.2), dbSNP rs568011334, ClinGen allele CA74011781.

ClinVar aggregate classification (germline): Uncertain significance (1 of 4 stars; one submission).

Conditions:
DALRD3-related disorder. Also called: DALRD3-related condition.

Allele frequency attached by ClinVar (database versions not stated): gnomAD exomes 0.00002; gnomAD 0.00013; 1000 Genomes Project 30x 0.00016; 1000 Genomes Project 0.00020; TOPMed 0.00028.
gnomAD v4.1: 34 of 1,567,148 alleles (0.0022%); highest among the groups gnomAD compares: Admixed American, 0.059%; no homozygotes.

Submission:

PreventionGenetics, part of Exact Sciences
Classification: Uncertain significance for DALRD3-related condition. Last evaluated: 2025-09-16. Review status: criteria provided, single submitter. Criteria: ACMG Guidelines, 2015. Collection method: clinical testing. Allele origin: germline.
Comment: The DALRD3 c.-5T>C variant is located in the 5' untranslated region. This variant is not predicted to result in an amino acid change, nor is it predicted to impact splicing (SpliceAI, Jaganathan et al. 2019. PubMed ID: 30661751). To our knowledge, this variant has not been reported in the literature. This variant is reported in 0.0081% of alleles in individuals of Latino descent in gnomAD. At this time, the clinical significance of this variant is uncertain due to the absence of conclusive functional and genetic evidence.